The following is an entry in ClinVar:

ClinVar aggregate classification (germline): Uncertain significance (1 of 4 stars; one submission).

Conditions:
SEMA3D-related disorder. Also called: SEMA3D-related condition.

gnomAD v4.1: 16 of 1,613,958 alleles (0.00099%); highest among the groups gnomAD compares: African/African-American, 0.0053%; no homozygotes.

Submission:

PreventionGenetics, part of Exact Sciences
Classification: Uncertain significance for SEMA3D-related condition. Last evaluated: 2025-03-09. Review status: criteria provided, single submitter. Criteria: ACMG Guidelines, 2015. Collection method: clinical testing. Allele origin: germline.
Comment: The SEMA3D c.2219G>A variant is predicted to result in the amino acid substitution p.Arg740Gln. To our knowledge, this variant has not been reported in the literature. This variant is reported in 0.012% of alleles in individuals of African descent in gnomAD. At this time, the clinical significance of this variant is uncertain due to the absence of conclusive functional and genetic evidence.

NM_001384900.1(SEMA3D):c.2219G>A (p.Arg740Gln)

Genes: SEMA3D (semaphorin 3D; minus strand), LOC126860094 (BRD4-independent group 4 enhancer GRCh37_chr7:84628763-84629962; plus strand). Cytogenetic location: 7q21.11.
Variant type: single nucleotide variant.
Coding change: c.2219G>A on transcript NM_001384900.1 (MANE Select); coding-DNA position 2219, G replaced by A.
Protein change: p.Arg740Gln; replaces arginine 740 with glutamine.
Molecular consequence: missense variant.
Genome position (GRCh38, 1-based): chr7:84,999,555, C>T on the plus strand (G>A on the coding strand, the complement: SEMA3D is on the minus strand). VCF-style: chr7-84999555-C-T. GRCh37 (hg19) VCF-style: chr7-84628871-C-T.
Other names: c.2219G>A, p.Arg740Gln (NM_001384901.1, NM_001384902.1, NM_001384903.1 and 1 more transcripts); short protein forms R740Q.
Identifiers: ClinVar variation 4979292 (VCV004979292.1).
Genomic context (GRCh38, chr7:84,999,555, plus strand): 5'-CGTTTCTTCTTCATTTCCTGCATGTGCTTCCACTTTGGGCCCCCCTTGTTTCTCTGTCTC[C>T]GCTTCTCCCTGTGCCACATCTGTTCGCAGTACTGGTCGAGGCTGAAGTTTGGGCTGCTAA-3'
Protein context (NP_001371829.1, residues 730-750): YCEQMWHREK[Arg740Gln]RQRNKGGPKW